The following is an entry in ClinVar:

NM_004999.4(MYO6):c.1238T>C (p.Val413Ala)

Gene: MYO6 (myosin VI; plus strand). Cytogenetic location: 6q14.1.
Variant type: single nucleotide variant.
Coding change: c.1238T>C on transcript NM_004999.4 (MANE Select); coding-DNA position 1238, T replaced by C.
Protein change: p.Val413Ala; replaces valine 413 with alanine.
Molecular consequence: missense variant. On other transcripts: non-coding transcript variant (1).
Genome position (GRCh38, 1-based): chr6:75,857,111, T>C. VCF-style: chr6-75857111-T-C. GRCh37 (hg19) VCF-style: chr6-76566828-T-C.
Other names: c.1238T>C, p.Val413Ala (NM_001300899.2, NM_001368136.1, NM_001368137.1 and 2 more transcripts); c.1223T>C, p.Val408Ala (NM_001368138.1); short protein forms V408A, V413A.
Identifiers: ClinVar variation 2630446 (VCV002630446.1), dbSNP rs2535263824, ClinGen allele CA364759321.

ClinVar aggregate classification (germline): Uncertain significance (1 of 4 stars; one submission).

Conditions:
MYO6-related disorder. Also called: MYO6-related condition; MYO6-related disorders.

gnomAD v4.1: 2 of 1,614,008 alleles (0.00012%); highest among the groups gnomAD compares: Non-Finnish European, 0.00017%; no homozygotes.

Submission:

PreventionGenetics, part of Exact Sciences
Classification: Uncertain significance for MYO6-related condition. Last evaluated: 2023-02-13. Review status: criteria provided, single submitter. Criteria: ACMG Guidelines, 2015. Collection method: clinical testing. Allele origin: germline.
Comment: The MYO6 c.1238T>C variant is predicted to result in the amino acid substitution p.Val413Ala. To our knowledge, this variant has not been reported in the literature or in a large population database, indicating this variant is rare. At this time, the clinical significance of this variant is uncertain due to the absence of conclusive functional and genetic evidence.